The following is an entry in ClinVar:

ClinVar aggregate classification (germline): Uncertain significance (1 of 4 stars; one submission).

Conditions:
Hereditary factor XI deficiency disease. Also called: PLASMA THROMBOPLASTIN ANTECEDENT DEFICIENCY; PTA DEFICIENCY; ROSENTHAL SYNDROME; Congenital factor XI deficiency. Identifiers: Orphanet 329, MedGen C0015523, MeSH D005173, MONDO:0012897, OMIM 612416.

Submission:

Myriad Genetics, Inc.
Classification: Uncertain significance for Hereditary factor XI deficiency disease. Last evaluated: 2026-03-12. Review status: criteria provided, single submitter. Criteria: Myriad Autosomal Dominant, Autosomal Recessive and X-Linked Classification Criteria (2023). Collection method: clinical testing. Allele origin: unknown.
Comment: NM_000128.3(F11):c.1858_1859delGAinsAG(E620R) is a missense variant classified as a variant of uncertain significance in the context of factor XI deficiency. E620R has not been observed in cases with relevant disease. Relevant functional assessments of this variant are not available in the literature. E620R has not been observed in referenced population frequency databases. In summary, there is insufficient evidence to classify NM_000128.3(F11):c.1858_1859delGAinsAG(E620R) as pathogenic or benign. Please note: this variant was assessed in the context of healthy population screening.

NM_000128.4(F11):c.1858_1859delinsAG (p.Glu620Arg)

Genes: F11 (coagulation factor XI; plus strand), F11-AS1 (F11 antisense RNA 1; minus strand). Cytogenetic location: 4q35.2.
Variant type: Indel.
Coding change: c.1858_1859delinsAG on transcript NM_000128.4 (MANE Select); coding-DNA positions 1858 to 1859, GA replaced by AG.
Protein change: p.Glu620Arg; replaces glutamic acid 620 with arginine.
Molecular consequence: missense variant. On other transcripts: non-coding transcript variant (1).
Genome position (GRCh38, 1-based): chr4:186,288,594-186,288,595, GA replaced by AG. VCF-style: chr4-186288594-GA-AG. GRCh37 (hg19) VCF-style: chr4-187209748-GA-AG.
Other names: c.1810_1811delinsAG, p.Glu604Arg (NM_001440590.1); c.1762_1763delinsAG, p.Glu588Arg (NM_001440593.1); c.1714_1715delinsAG, p.Glu572Arg (NM_001440596.1); c.1588_1589delinsAG, p.Glu530Arg (NM_001440605.1); c.1540_1541delinsAG, p.Glu514Arg (NM_001440606.1); c.1492_1493delinsAG, p.Glu498Arg (NM_001440607.1); c.1444_1445delinsAG, p.Glu482Arg (NM_001440608.1); short protein forms E498R, E530R, E572R, E514R, E604R, E482R, E588R, E620R.
Identifiers: ClinVar variation 5003223 (VCV005003223.1).